The following is an entry in ClinVar:

NM_006517.5(SLC16A2):c.1358G>A (p.Gly453Asp)

Gene: SLC16A2 (solute carrier family 16 member 2; plus strand). Cytogenetic location: Xq13.2.
Variant type: single nucleotide variant.
Coding change: c.1358G>A on transcript NM_006517.5 (MANE Select); coding-DNA position 1358, G replaced by A.
Protein change: p.Gly453Asp; replaces glycine 453 with aspartic acid.
Molecular consequence: missense variant.
Genome position (GRCh38, 1-based): chrX:74,529,400, G>A. VCF-style: chrX-74529400-G-A. GRCh37 (hg19) VCF-style: chrX-73749235-G-A.
Other names: short protein forms G453D.
Identifiers: ClinVar variation 2228296 (VCV002228296.2), dbSNP rs2519809187, ClinGen allele CA413658568.

ClinVar aggregate classification (germline): Uncertain significance (1 of 4 stars; one submission).

Conditions:
Inborn genetic diseases. Identifiers: MedGen C0950123, MeSH D030342.

Submission:

Ambry Genetics
Classification: Uncertain significance for Inborn genetic diseases. Last evaluated: 2020-12-17. Review status: criteria provided, single submitter. Criteria: Ambry Variant Classification Scheme 2023. Collection method: clinical testing. Allele origin: germline.
Comment: The c.1580G>A (p.G527D) alteration is located in exon 5 (coding exon 5) of the SLC16A2 gene. This alteration results from a G to A substitution at nucleotide position 1580, causing the glycine (G) at amino acid position 527 to be replaced by an aspartic acid (D). Based on data from the Genome Aggregation Database (gnomAD), the SLC16A2 c.1580G>A alteration was not observed, with coverage at this position. The p.G527 amino acid is conserved in available vertebrate species. The in silico prediction for the p.G527D alteration is inconclusive. Based on insufficient or conflicting evidence, the clinical significance of this alteration remains unclear.